The following is an entry in ClinVar:

NM_016006.6(ABHD5):c.512A>G (p.Asn171Ser)

Gene: ABHD5 (abhydrolase domain containing 5, lysophosphatidic acid acyltransferase; plus strand). Cytogenetic location: 3p21.33.
Variant type: single nucleotide variant.
Coding change: c.512A>G on transcript NM_016006.6 (MANE Select); coding-DNA position 512, A replaced by G.
Protein change: p.Asn171Ser; replaces asparagine 171 with serine.
Molecular consequence: missense variant. On other transcripts: non-coding transcript variant (1).
Genome position (GRCh38, 1-based): chr3:43,711,714, A>G. VCF-style: chr3-43711714-A-G. GRCh37 (hg19) VCF-style: chr3-43753206-A-G.
Other names: c.512A>G, p.Asn171Ser (NM_001355186.2, NM_001365650.1); c.389A>G, p.Asn130Ser (NM_001365649.1); c.512A>G (NM_016006.4); short protein forms N171S, N130S.
Identifiers: ClinVar variation 1902854 (VCV001902854.5), dbSNP rs774821089, ClinGen allele CA2341369.

ClinVar aggregate classification (germline): Conflicting classifications of pathogenicity. Review status: criteria provided, conflicting classifications (1 of 4 stars). 2 submissions from 2 submitters: Uncertain significance (1); Likely benign (1). Last evaluated 2024-06-24.

Conditions:
Inborn genetic diseases. Identifiers: MedGen C0950123, MeSH D030342.

Allele frequency attached by ClinVar (database versions not stated): ExAC 0.00001; gnomAD 0.00001; TOPMed 0.00002; gnomAD exomes 0.00003.

Submissions (2):

Labcorp Genetics (formerly Invitae), Labcorp
Classification: Uncertain significance. Last evaluated: 2024-06-24. Review status: criteria provided, single submitter. Criteria: Invitae Variant Classification Sherloc (09022015). Collection method: clinical testing. Allele origin: germline.
Comment: This sequence change replaces asparagine, which is neutral and polar, with serine, which is neutral and polar, at codon 171 of the ABHD5 protein (p.Asn171Ser). This variant is present in population databases (rs774821089, gnomAD 0.007%). This variant has not been reported in the literature in individuals affected with ABHD5-related conditions. ClinVar contains an entry for this variant (Variation ID: 1902854). Advanced modeling of protein sequence and biophysical properties (such as structural, functional, and spatial information, amino acid conservation, physicochemical variation, residue mobility, and thermodynamic stability) performed at Invitae indicates that this missense variant is not expected to disrupt ABHD5 protein function with a negative predictive value of 80%. In summary, the available evidence is currently insufficient to determine the role of this variant in disease. Therefore, it has been classified as a Variant of Uncertain Significance.

Ambry Genetics
Classification: Likely benign for Inborn genetic diseases. Last evaluated: 2023-03-06. Review status: criteria provided, single submitter. Criteria: Ambry Variant Classification Scheme 2023. Collection method: clinical testing. Allele origin: germline.